The following is an entry in ClinVar:

NM_001048174.2(MUTYH):c.1435-2A>T

Gene: MUTYH (mutY DNA glycosylase; minus strand). Cytogenetic location: 1p34.1.
Variant type: single nucleotide variant.
Coding change: c.1435-2A>T on transcript NM_001048174.2 (MANE Select); the canonical splice acceptor site of the intron before coding-DNA position 1435, A replaced by T.
Molecular consequence: splice acceptor variant.
Genome position (GRCh38, 1-based): chr1:45,329,439, T>A on the plus strand (A>T on the coding strand, the complement: MUTYH is on the minus strand). VCF-style: chr1-45329439-T-A. GRCh37 (hg19) VCF-style: chr1-45795111-T-A.
Other names: c.1435-2A>T (NM_001407072.1, NM_001407073.1, NM_001048171.2 and 6 more transcripts); c.1090-2A>T (NM_001350651.2, NM_001350650.2, NM_001407082.1); c.1159-2A>T (NM_001293192.2, NM_001293196.2, NM_001407091.1); c.1480-2A>T (NM_001293190.2); c.1468-2A>T (NM_001407069.1, NM_001407077.1, NM_001293191.2); c.1510-2A>T (NM_012222.3); c.1519-2A>T (NM_001128425.2); c.1438-2A>T (NM_001407071.1, NM_001048172.2, NM_001407078.1 and 1 more transcripts); and 5 more.
Identifiers: ClinVar variation 1002182 (VCV001002182.11), dbSNP rs1553123105, ClinGen allele CA340131984.

ClinVar aggregate classification (germline): Pathogenic/Likely pathogenic. Review status: criteria provided, multiple submitters, no conflicts (2 of 4 stars). 2 submissions from 2 submitters: Pathogenic (1); Likely pathogenic (1). Last evaluated 2025-01-15.

Conditions:
Familial adenomatous polyposis 2. Also called: COLORECTAL ADENOMATOUS POLYPOSIS, AUTOSOMAL RECESSIVE; ADENOMAS, MULTIPLE COLORECTAL, AUTOSOMAL RECESSIVE; Adenomas, multiple colorectal; FAP type 2; MUTYH Polyposis; MUTYH-associated polyposis. Identifiers: Orphanet 220460, Orphanet 247798, MedGen C3272841, MONDO:0012041, OMIM 608456.

Submissions (3):

Labcorp Genetics (formerly Invitae), Labcorp
Classification: Likely pathogenic for Familial adenomatous polyposis 2. Last evaluated: 2025-01-15. Review status: criteria provided, single submitter. Criteria: Invitae Variant Classification Sherloc (09022015). Collection method: clinical testing. Allele origin: germline.
Comment: This sequence change affects an acceptor splice site in intron 15 of the MUTYH gene. RNA analysis indicates that disruption of this splice site induces altered splicing and likely disrupts the C-terminus of the protein. This variant is not present in population databases (gnomAD no frequency). This variant has not been reported in the literature in individuals affected with MUTYH-related conditions. ClinVar contains an entry for this variant (Variation ID: 1002182). Variants that disrupt the consensus splice site are a relatively common cause of aberrant splicing (PMID: 17576681, 9536098). Studies have shown that disruption of this splice site results in activation of a cryptic splice site and introduces a new termination codon (internal data). However the mRNA is not expected to undergo nonsense-mediated decay. This variant disrupts the conserved PCNA binding motif of the MUTYH protein, which has been shown to be critical for MUTYH-PCNA binding and repair efficiency (PMID: 11092888, 26377631, 11433026, 11864576). While functional studies have not been performed to directly test the effect of this variant on MUTYH protein function, this suggests that disruption of this region of the protein is causative of disease. In summary, the currently available evidence indicates that the variant is pathogenic, but additional data are needed to prove that conclusively. Therefore, this variant has been classified as Likely Pathogenic.

Department of Molecular Diagnostics, Institute of Oncology Ljubljana
Classification: Pathogenic for Familial adenomatous polyposis 2. Last evaluated: 2020-04-02. Review status: criteria provided, single submitter. Criteria: ACMG Guidelines, 2015. Collection method: clinical testing. Allele origin: germline. Affected: yes.

Dr. Peter K. Rogan Lab, Western University
No classification provided (evidence only). Condition: Thyroid cancer, nonmedullary, 1. Review status: no classification provided. Collection method: in vitro. Allele origin: not applicable. Functional consequence: retained intron. Not counted in ClinVar's aggregate classification.

Literature cited by the submitters: PubMed 17576681 (cited by Labcorp Genetics (formerly Invitae), Labcorp); PubMed 9536098 (cited by Labcorp Genetics (formerly Invitae), Labcorp); PubMed 11092888 (cited by Labcorp Genetics (formerly Invitae), Labcorp); PubMed 26377631 (cited by Labcorp Genetics (formerly Invitae), Labcorp); PubMed 11433026 (cited by Labcorp Genetics (formerly Invitae), Labcorp); PubMed 11864576 (cited by Labcorp Genetics (formerly Invitae), Labcorp).